The following is an entry in ClinVar:

ClinVar aggregate classification (germline): Uncertain significance (1 of 4 stars; one submission).

Conditions:
Cardiovascular phenotype. Identifiers: MedGen CN230736.

Submission:

Ambry Genetics
Classification: Uncertain significance for Cardiovascular phenotype. Last evaluated: 2025-11-20. Review status: criteria provided, single submitter. Criteria: Ambry Variant Classification Scheme 2023. Collection method: clinical testing. Allele origin: germline.
Comment: The p.V336A variant (also known as c.1007T>C), located in coding exon 7 of the SPRED1 gene, results from a T to C substitution at nucleotide position 1007. The valine at codon 336 is replaced by alanine, an amino acid with similar properties. This amino acid position is conserved. In addition, this alteration is predicted to be tolerated by in silico analysis. Based on the available evidence, the clinical significance of this variant remains unclear.

NM_152594.3(SPRED1):c.1007T>C (p.Val336Ala)

Gene: SPRED1 (sprouty related EVH1 domain containing 1; plus strand). Cytogenetic location: 15q14.
Variant type: single nucleotide variant.
Coding change: c.1007T>C on transcript NM_152594.3 (MANE Select); coding-DNA position 1007, T replaced by C.
Protein change: p.Val336Ala; replaces valine 336 with alanine.
Molecular consequence: missense variant.
Genome position (GRCh38, 1-based): chr15:38,351,336, T>C. VCF-style: chr15-38351336-T-C. GRCh37 (hg19) VCF-style: chr15-38643537-T-C.
Other names: short protein forms V336A.
Identifiers: ClinVar variation 4615034 (VCV004615034.1).